The following is an entry in ClinVar:

ClinVar aggregate classification (germline): Uncertain significance (1 of 4 stars; one submission).

Allele frequency attached by ClinVar (database versions not stated): gnomAD 0.00001; TOPMed 0.00001.
gnomAD v4.1: 32 of 1,613,814 alleles (0.002%); highest among the groups gnomAD compares: Non-Finnish European, 0.0025%; no homozygotes.

Submission:

Labcorp Genetics (formerly Invitae), Labcorp
Classification: Uncertain significance. Last evaluated: 2024-10-23. Review status: criteria provided, single submitter. Criteria: Invitae Variant Classification Sherloc (09022015). Collection method: clinical testing. Allele origin: germline.
Comment: This sequence change replaces proline, which is neutral and non-polar, with serine, which is neutral and polar, at codon 946 of the ADGRA3 protein (p.Pro946Ser). This variant is present in population databases (no rsID available, gnomAD 0.0009%). This variant has not been reported in the literature in individuals affected with ADGRA3-related conditions. ClinVar contains an entry for this variant (Variation ID: 1947933). An algorithm developed to predict the effect of missense changes on protein structure and function (PolyPhen-2) suggests that this variant is likely to be disruptive. In summary, the available evidence is currently insufficient to determine the role of this variant in disease. Therefore, it has been classified as a Variant of Uncertain Significance.

NM_145290.4(ADGRA3):c.2836C>T (p.Pro946Ser)

Gene: ADGRA3 (adhesion G protein-coupled receptor A3; minus strand). Cytogenetic location: 4p15.2.
Variant type: single nucleotide variant.
Coding change: c.2836C>T on transcript NM_145290.4 (MANE Select); coding-DNA position 2836, C replaced by T.
Protein change: p.Pro946Ser; replaces proline 946 with serine.
Molecular consequence: missense variant.
Genome position (GRCh38, 1-based): chr4:22,388,835, G>A on the plus strand (C>T on the coding strand, the complement: ADGRA3 is on the minus strand). VCF-style: chr4-22388835-G-A. GRCh37 (hg19) VCF-style: chr4-22390458-G-A.
Other names: short protein forms P946S.
Identifiers: ClinVar variation 1947933 (VCV001947933.5), dbSNP rs768058984, ClinGen allele CA11640624.